The following is an entry in ClinVar:

NM_001384732.1(CPLANE1):c.1015del (p.Val339fs)

Gene: CPLANE1 (ciliogenesis and planar polarity effector complex subunit 1; minus strand). Cytogenetic location: 5p13.2.
Variant type: Deletion.
Coding change: c.1015del on transcript NM_001384732.1 (MANE Select); coding-DNA position 1015, one base deleted (G; older notation c.1015delG).
Protein change: p.Val339fs; shifts the reading frame from valine 339.
Molecular consequence: frameshift variant.
Genome position (GRCh38, 1-based): chr5:37,230,973, C deleted on the plus strand (G on the coding strand, the reverse complement: CPLANE1 is on the minus strand); the first of 2 consecutive C bases (chr5:37,230,973-37,230,974); deleting either gives the same sequence. VCF-style (leftmost placement, unchanged base first): chr5-37230972-AC-A. GRCh37 (hg19) VCF-style: chr5-37231074-AC-A.
Other names: c.1015del, p.Val339fs (NM_023073.4); short protein forms V339fs.
Identifiers: ClinVar variation 4713374 (VCV004713374.2).

ClinVar aggregate classification (germline): Pathogenic/Likely pathogenic. Review status: criteria provided, multiple submitters, no conflicts (2 of 4 stars). 2 submissions from 2 submitters: Pathogenic (1); Likely pathogenic (1). Last evaluated 2025-02-18.

Conditions:
CPLANE1-related disorders.

Submissions (2):

Labcorp Genetics (formerly Invitae), Labcorp
Classification: Pathogenic. Last evaluated: 2025-02-18. Review status: criteria provided, single submitter. Criteria: Invitae Variant Classification Sherloc (09022015). Collection method: clinical testing. Allele origin: germline.
Comment: This sequence change creates a premature translational stop signal (p.Val339Phefs*3) in the CPLANE1 gene. It is expected to result in an absent or disrupted protein product. Loss-of-function variants in CPLANE1 are known to be pathogenic (PMID: 24178751, 26092869). This variant is present in population databases (no rsID available, gnomAD 0.01%). This variant has not been reported in the literature in individuals affected with CPLANE1-related conditions. For these reasons, this variant has been classified as Pathogenic.

Blueprint Genetics
Classification: Likely pathogenic for CPLANE1-related disorders. Last evaluated: 2022-02-22. Review status: criteria provided, single submitter. Criteria: ACMG Guidelines, 2015. Collection method: clinical testing. Allele origin: germline. Affected: yes. Observed: 1 variant allele.

Literature cited by the submitters: PubMed 24178751 (cited by Labcorp Genetics (formerly Invitae), Labcorp); PubMed 26092869 (cited by Labcorp Genetics (formerly Invitae), Labcorp).